The following is an entry in ClinVar:

NM_153682.3(PIGP):c.-20T>G

Gene: PIGP (phosphatidylinositol glycan anchor biosynthesis class P; minus strand). Cytogenetic location: 21q22.13.
Variant type: single nucleotide variant.
Coding change: c.-20T>G on transcript NM_153682.3 (MANE Select); 20 bases upstream of the start codon, T replaced by G.
Molecular consequence: 5 prime UTR variant. On other transcripts: missense variant (1).
Genome position (GRCh38, 1-based): chr21:37,072,535, A>C on the plus strand (T>G on the coding strand, the complement: PIGP is on the minus strand). VCF-style: chr21-37072535-A-C. GRCh37 (hg19) VCF-style: chr21-38444835-A-C.
Other names: c.-20T>G (NM_001320480.2); c.-264T>G (NM_016430.4); c.53T>G, p.Leu18Trp (NM_153681.2); short protein forms L18W.
Identifiers: ClinVar variation 1030296 (VCV001030296.7), dbSNP rs112970770, ClinGen allele CA10021191.

ClinVar aggregate classification (germline): Uncertain significance. Review status: criteria provided, multiple submitters, no conflicts (2 of 4 stars). 3 submissions from 3 submitters: Uncertain significance (3). Last evaluated 2025-08-15.

Conditions:
Developmental and epileptic encephalopathy, 55. Also called: GLYCOSYLPHOSPHATIDYLINOSITOL BIOSYNTHESIS DEFECT 14; Early infantile epileptic encephalopathy 55. Identifiers: MedGen C4539843, MONDO:0033364, OMIM 617599.
Inborn genetic diseases. Identifiers: MedGen C0950123, MeSH D030342.

Allele frequency attached by ClinVar (database versions not stated): gnomAD exomes 0.00001 and 0.00002; ExAC 0.00002; TOPMed 0.00015; gnomAD 0.00016 and 0.00017.
gnomAD v4.1: 51 of 1,614,222 alleles (0.0032%); highest among the groups gnomAD compares: African/African-American, 0.048%; no homozygotes.

Submissions (3):

Labcorp Genetics (formerly Invitae), Labcorp
Classification: Uncertain significance. Last evaluated: 2025-08-15. Review status: criteria provided, single submitter. Criteria: Invitae Variant Classification Sherloc (09022015). Collection method: clinical testing. Allele origin: germline.
Comment: This sequence change replaces leucine, which is neutral and non-polar, with tryptophan, which is neutral and slightly polar, at codon 18 of the PIGP protein (p.Leu18Trp). This variant is present in population databases (rs112970770, gnomAD 0.04%). This variant has not been reported in the literature in individuals affected with PIGP-related conditions. ClinVar contains an entry for this variant (Variation ID: 1030296). An algorithm developed to predict the effect of missense changes on protein structure and function outputs the following: PolyPhen-2: "Benign". The tryptophan amino acid residue is found in multiple mammalian species, which suggests that this missense change does not adversely affect protein function. In summary, the available evidence is currently insufficient to determine the role of this variant in disease. Therefore, it has been classified as a Variant of Uncertain Significance.

Ambry Genetics
Classification: Uncertain significance for Inborn genetic diseases. Last evaluated: 2024-09-24. Review status: criteria provided, single submitter. Criteria: Ambry Variant Classification Scheme 2023. Collection method: clinical testing. Allele origin: germline.

Baylor Genetics
Classification: Uncertain significance for Developmental and epileptic encephalopathy, 55. Last evaluated: 2019-11-20. Review status: criteria provided, single submitter. Criteria: ACMG Guidelines, 2015. Collection method: clinical testing. Allele origin: unknown. Affected: yes.
Comment: This variant was determined to be of uncertain significance according to ACMG Guidelines, 2015 [PMID:25741868].